The following is an entry in ClinVar:

ClinVar aggregate classification (germline): Pathogenic (1 of 4 stars; one submission).

Conditions:
Alstrom syndrome (ALMS). Identifiers: Orphanet 64, MedGen C0268425, MONDO:0008763, OMIM 203800.

gnomAD v4.1: 1 of 1,613,978 alleles (0.000062%); highest among the groups gnomAD compares: African/African-American, 0.0013%; no homozygotes.

Submission:

Labcorp Genetics (formerly Invitae), Labcorp
Classification: Pathogenic for Alstrom syndrome. Last evaluated: 2026-01-06. Review status: criteria provided, single submitter. Criteria: Invitae Variant Classification Sherloc (09022015). Collection method: clinical testing. Allele origin: germline.
Comment: This sequence change creates a premature translational stop signal (p.Ser1220*) in the ALMS1 gene. It is expected to result in an absent or disrupted protein product. Loss-of-function variants in ALMS1 are known to be pathogenic (PMID: 17594715). This variant is present in population databases (no rsID available, gnomAD 0.003%). This variant has not been reported in the literature in individuals affected with ALMS1-related conditions. For these reasons, this variant has been classified as Pathogenic.

Literature cited by the submitters: PubMed 17594715.

NM_001378454.1(ALMS1):c.3656C>A (p.Ser1219Ter)

Gene: ALMS1 (ALMS1 centrosome and basal body associated protein; plus strand). Cytogenetic location: 2p13.1.
Variant type: single nucleotide variant.
Coding change: c.3656C>A on transcript NM_001378454.1 (MANE Select); coding-DNA position 3656, C replaced by A.
Protein change: p.Ser1219Ter; replaces serine 1219 with a stop codon.
Molecular consequence: nonsense.
Genome position (GRCh38, 1-based): chr2:73,450,183, C>A. VCF-style: chr2-73450183-C-A. GRCh37 (hg19) VCF-style: chr2-73677310-C-A.
Other names: c.3659C>A, p.Ser1220Ter (NM_015120.4); short protein forms S1219*, S1220*.
Identifiers: ClinVar variation 4759729 (VCV004759729.1).